The following is an entry in ClinVar:

ClinVar aggregate classification (germline): Likely benign. Review status: criteria provided, multiple submitters, no conflicts (2 of 4 stars). 4 submissions from 4 submitters: Likely benign (4). Last evaluated 2025-05-05.

Conditions:
Osteogenesis imperfecta type I (OI1). Also called: Lobstein disease; Lobstein's Disease; Classic Non-deforming Osteogenesis Imperfecta with Blue Sclerae; Osteogenesis imperfecta type 1; OI, TYPE I; OSTEOGENESIS IMPERFECTA TARDA. Identifiers: Orphanet 216796, Orphanet 666, MedGen C0023931, MONDO:0008146, OMIM 166200. Disease mechanism: loss of function.
Cardiovascular phenotype. Identifiers: MedGen CN230736.

Allele frequency attached by ClinVar (database versions not stated): gnomAD 0.00002 and 0.00003; TOPMed 0.00002.
gnomAD v4.1: 29 of 1,575,822 alleles (0.0018%); highest among the groups gnomAD compares: African/African-American, 0.0027%; no homozygotes.

Submissions (4):

Labcorp Genetics (formerly Invitae), Labcorp
Classification: Likely benign for Osteogenesis imperfecta type I. Last evaluated: 2025-05-05. Review status: criteria provided, single submitter. Criteria: Invitae Variant Classification Sherloc (09022015). Collection method: clinical testing. Allele origin: germline.

Ambry Genetics
Classification: Likely benign for Cardiovascular phenotype. Last evaluated: 2023-07-10. Review status: criteria provided, single submitter. Criteria: Ambry Variant Classification Scheme 2023. Collection method: clinical testing. Allele origin: germline.

CeGaT Center for Human Genetics Tuebingen
Classification: Likely benign. Last evaluated: 2022-07-01. Review status: criteria provided, single submitter. Criteria: CeGaT Center For Human Genetics Tuebingen Variant Classification Criteria Version 2. Collection method: clinical testing. Allele origin: germline. Affected: yes. Observed: 1 variant allele.
Comment: COL1A1: BP4, BP7

GeneDx
Classification: Likely benign. Last evaluated: 2019-07-26. Review status: criteria provided, single submitter. Criteria: GeneDx Variant Classification Process June 2021. Collection method: clinical testing. Allele origin: germline. Affected: yes.

NM_000088.4(COL1A1):c.1491C>T (p.Gly497=)

Gene: COL1A1 (collagen type I alpha 1 chain; minus strand). Cytogenetic location: 17q21.33.
Variant type: single nucleotide variant.
Coding change: c.1491C>T on transcript NM_000088.4 (MANE Select); coding-DNA position 1491, C replaced by T.
Protein change: p.Gly497=; no amino-acid change (glycine 497 retained).
Molecular consequence: synonymous variant.
Genome position (GRCh38, 1-based): chr17:50,194,597, G>A on the plus strand (C>T on the coding strand, the complement: COL1A1 is on the minus strand). VCF-style: chr17-50194597-G-A. GRCh37 (hg19) VCF-style: chr17-48271958-G-A.
Identifiers: ClinVar variation 1106279 (VCV001106279.38), dbSNP rs773286290, ClinGen allele CA8645235.